The following is an entry in ClinVar:

NM_006267.5(RANBP2):c.1793A>G (p.Tyr598Cys)

Gene: RANBP2 (RAN binding protein 2; plus strand). Cytogenetic location: 2q13.
Variant type: single nucleotide variant.
Coding change: c.1793A>G on transcript NM_006267.5 (MANE Select); coding-DNA position 1793, A replaced by G.
Protein change: p.Tyr598Cys; replaces tyrosine 598 with cysteine.
Molecular consequence: missense variant.
Genome position (GRCh38, 1-based): chr2:108,753,035, A>G. VCF-style: chr2-108753035-A-G. GRCh37 (hg19) VCF-style: chr2-109369491-A-G.
Other names: c.1793A>G, p.Tyr598Cys (NM_001415871.1, NM_001415873.1); c.1790A>G, p.Tyr597Cys (NM_001415872.1); short protein forms Y597C, Y598C.
Identifiers: ClinVar variation 3656315 (VCV003656315.2).

ClinVar aggregate classification (germline): Uncertain significance (1 of 4 stars; one submission).

Conditions:
Familial acute necrotizing encephalopathy (IIAE3). Also called: ENCEPHALOPATHY, ACUTE, INFECTION-INDUCED, SUSCEPTIBILITY TO, 3; Susceptibility to Acute Necrotizing Encephalopathy 1. Identifiers: Orphanet 88619, MedGen C2675556, MONDO:0011953, OMIM 608033.

gnomAD v4.1: 3 of 1,609,754 alleles (0.00019%); highest among the groups gnomAD compares: African/African-American, 0.0027%; no homozygotes.

Submission:

Labcorp Genetics (formerly Invitae), Labcorp
Classification: Uncertain significance for Familial acute necrotizing encephalopathy. Last evaluated: 2024-06-12. Review status: criteria provided, single submitter. Criteria: Invitae Variant Classification Sherloc (09022015). Collection method: clinical testing. Allele origin: germline.
Comment: This sequence change replaces tyrosine, which is neutral and polar, with cysteine, which is neutral and slightly polar, at codon 598 of the RANBP2 protein (p.Tyr598Cys). This variant is not present in population databases (gnomAD no frequency). This variant has not been reported in the literature in individuals affected with RANBP2-related conditions. An algorithm developed to predict the effect of missense changes on protein structure and function (PolyPhen-2) suggests that this variant is likely to be disruptive. In summary, the available evidence is currently insufficient to determine the role of this variant in disease. Therefore, it has been classified as a Variant of Uncertain Significance.